The following is an entry in ClinVar:

NM_017780.4(CHD7):c.1328T>C (p.Met443Thr)

Gene: CHD7 (chromodomain helicase DNA binding protein 7; plus strand). Cytogenetic location: 8q12.2.
Variant type: single nucleotide variant.
Coding change: c.1328T>C on transcript NM_017780.4 (MANE Select); coding-DNA position 1328, T replaced by C.
Protein change: p.Met443Thr; replaces methionine 443 with threonine.
Molecular consequence: missense variant.
Genome position (GRCh38, 1-based): chr8:60,742,760, T>C. VCF-style: chr8-60742760-T-C. GRCh37 (hg19) VCF-style: chr8-61655319-T-C.
Other names: c.1328T>C, p.Met443Thr (NM_001316690.1); short protein forms M443T.
Identifiers: ClinVar variation 3637087 (VCV003637087.2).

ClinVar aggregate classification (germline): Uncertain significance (1 of 4 stars; one submission).

Conditions:
CHARGE syndrome (CHARGE). Also called: Hittner Hirsch Kreh syndrome; CHARGE ASSOCIATION--COLOBOMA, HEART ANOMALY, CHOANAL ATRESIA, RETARDATION, GENITAL AND EAR ANOMALIES; Coloboma, heart anomaly, choanal atresia, retardation, genital and ear anomalies; CHARGE association; Hall-Hittner syndrome. Identifiers: Orphanet 138, MedGen C0265354, MONDO:0008965.

Submission:

Labcorp Genetics (formerly Invitae), Labcorp
Classification: Uncertain significance for CHARGE syndrome. Last evaluated: 2024-07-25. Review status: criteria provided, single submitter. Criteria: Invitae Variant Classification Sherloc (09022015). Collection method: clinical testing. Allele origin: germline.
Comment: This sequence change replaces methionine, which is neutral and non-polar, with threonine, which is neutral and polar, at codon 443 of the CHD7 protein (p.Met443Thr). This variant is not present in population databases (gnomAD no frequency). This variant has not been reported in the literature in individuals affected with CHD7-related conditions. Advanced modeling of protein sequence and biophysical properties (such as structural, functional, and spatial information, amino acid conservation, physicochemical variation, residue mobility, and thermodynamic stability) performed at Invitae indicates that this missense variant is not expected to disrupt CHD7 protein function with a negative predictive value of 95%. In summary, the available evidence is currently insufficient to determine the role of this variant in disease. Therefore, it has been classified as a Variant of Uncertain Significance.